The following is an entry in ClinVar:

ClinVar aggregate classification (germline): Uncertain significance. Review status: criteria provided, multiple submitters, no conflicts (2 of 4 stars). 2 submissions from 2 submitters: Uncertain significance (2). Last evaluated 2022-08-09.

Conditions:
Perrault syndrome. Also called: Gonadal dysgenesis with auditory dysfunction, autosomal recessive inheritance. Identifiers: Orphanet 2855, MedGen C0685838, MONDO:0017312.
Bifunctional peroxisomal enzyme deficiency (DBIF). Also called: DBP DEFICIENCY; PBFE DEFICIENCY; D-bifunctional protein deficiency. Identifiers: Orphanet 300, MedGen C0342870, MONDO:0009855, OMIM 261515. Disease mechanism: loss of function.
Inborn genetic diseases. Identifiers: MedGen C0950123, MeSH D030342.

gnomAD v4.1: 65 of 1,610,502 alleles (0.004%); highest among the groups gnomAD compares: Non-Finnish European, 0.0054%; no homozygotes.

Submissions (2):

Labcorp Genetics (formerly Invitae), Labcorp
Classification: Uncertain significance for Perrault syndrome; Bifunctional peroxisomal enzyme deficiency. Last evaluated: 2022-08-09. Review status: criteria provided, single submitter. Criteria: Invitae Variant Classification Sherloc (09022015). Collection method: clinical testing. Allele origin: germline.
Comment: This sequence change replaces arginine, which is basic and polar, with glycine, which is neutral and non-polar, at codon 23 of the HSD17B4 protein (p.Arg23Gly). This variant is present in population databases (rs765702241, gnomAD 0.004%). This variant has not been reported in the literature in individuals affected with HSD17B4-related conditions. Algorithms developed to predict the effect of missense changes on protein structure and function (SIFT, PolyPhen-2, Align-GVGD) all suggest that this variant is likely to be disruptive. In summary, the available evidence is currently insufficient to determine the role of this variant in disease. Therefore, it has been classified as a Variant of Uncertain Significance.

Ambry Genetics
Classification: Uncertain significance for Inborn genetic diseases. Last evaluated: 2022-05-25. Review status: criteria provided, single submitter. Criteria: Ambry Variant Classification Scheme 2023. Collection method: clinical testing. Allele origin: germline.

NM_000414.4(HSD17B4):c.67C>G (p.Arg23Gly)

Gene: HSD17B4 (hydroxysteroid 17-beta dehydrogenase 4; plus strand). Cytogenetic location: 5q23.1.
Variant type: single nucleotide variant.
Coding change: c.67C>G on transcript NM_000414.4 (MANE Select); coding-DNA position 67, C replaced by G.
Protein change: p.Arg23Gly; replaces arginine 23 with glycine.
Molecular consequence: missense variant. On other transcripts: 5 prime UTR variant (7), non-coding transcript variant (2), intron variant (1).
Genome position (GRCh38, 1-based): chr5:119,456,323, C>G. VCF-style: chr5-119456323-C-G. GRCh37 (hg19) VCF-style: chr5-118792018-C-G.
Other names: c.77C>G, p.Pro26Arg (NM_001199291.3); c.-71C>G (NM_001292027.2); c.-345C>G (NM_001292028.2, NM_001374501.1); c.67C>G, p.Arg23Gly (NM_001374497.1, NM_001374498.1); c.-279C>G (NM_001374499.1); c.-472C>G (NM_001374500.1); c.-350C>G (NM_001374502.1); c.-415C>G (NM_001374503.1); and 2 more; short protein forms R23G, P26R.
Identifiers: ClinVar variation 2142016 (VCV002142016.2), dbSNP rs765702241, ClinGen allele CA3381652.